The following is an entry in ClinVar:

ClinVar aggregate classification (germline): Uncertain significance (1 of 4 stars; one submission).

Conditions:
Hereditary cancer-predisposing syndrome. Also called: Hereditary Cancer Syndrome; Hereditary neoplastic syndrome; Neoplastic Syndromes, Hereditary; Tumor predisposition. Identifiers: Orphanet 140162, MedGen C0027672, MeSH D009386, MONDO:0015356.

gnomAD v4.1: 1 of 1,614,192 alleles (0.000062%); no homozygotes.

Submission:

Ambry Genetics
Classification: Uncertain significance for Hereditary cancer-predisposing syndrome. Last evaluated: 2018-11-28. Review status: criteria provided, single submitter. Criteria: Ambry Variant Classification Scheme 2023. Collection method: clinical testing. Allele origin: germline.
Comment: The p.S321A variant (also known as c.961T>G), located in coding exon 4 of the MSH6 gene, results from a T to G substitution at nucleotide position 961. The serine at codon 321 is replaced by alanine, an amino acid with similar properties. This amino acid position is poorly conserved in available vertebrate species. In addition, this alteration is predicted to be tolerated by in silico analysis. In addition, the CoDP in silico tool predicts this alteration to have minor impact on molecular function, with a score of 0.000 (Terui H et al. J. Biomed. Sci. 2013 Apr;20:25). Since supporting evidence is limited at this time, the clinical significance of this alteration remains unclear.

NM_000179.3(MSH6):c.961T>G (p.Ser321Ala)

Gene: MSH6 (mutS homolog 6; plus strand). Cytogenetic location: 2p16.3.
Variant type: single nucleotide variant.
Coding change: c.961T>G on transcript NM_000179.3 (MANE Select); coding-DNA position 961, T replaced by G.
Protein change: p.Ser321Ala; replaces serine 321 with alanine.
Molecular consequence: missense variant.
Genome position (GRCh38, 1-based): chr2:47,798,944, T>G. VCF-style: chr2-47798944-T-G. GRCh37 (hg19) VCF-style: chr2-48026083-T-G.
Other names: c.664T>G, p.Ser222Ala (NM_001406828.1, NM_001406830.1, NM_001406797.1 and 10 more transcripts); c.55T>G, p.Ser19Ala (NM_001406829.1, NM_001281493.2, NM_001281494.2 and 6 more transcripts); c.571T>G, p.Ser191Ala (NM_001281492.2); c.1057T>G, p.Ser353Ala (NM_001406795.1, NM_001406802.1); c.961T>G, p.Ser321Ala (NM_001406796.1, NM_001406798.1, NM_001406800.1 and 4 more transcripts); c.436T>G, p.Ser146Ala (NM_001406799.1, NM_001406806.1, NM_001406807.1); c.883T>G, p.Ser295Ala (NM_001406804.1); c.967T>G, p.Ser323Ala (NM_001406813.1); and 1 more; short protein forms S265A, S146A, S19A, S321A, S323A, S191A, S222A, S295A.
Identifiers: ClinVar variation 1767599 (VCV001767599.2), dbSNP rs2104309335, ClinGen allele CA346740905.